The following is an entry in ClinVar:

ClinVar aggregate classification (germline): Uncertain significance (1 of 4 stars; one submission).

Conditions:
Marfan syndrome (MFS). Also called: MARFAN SYNDROME, TYPE I; FBN1-Related Marfan Syndrome; Marfan syndrome type 1; Marfan's syndrome; Marfan syndrome, classic. Identifiers: Orphanet 284963, Orphanet 558, MedGen C0024796, MONDO:0007947, OMIM 154700.
Familial thoracic aortic aneurysm and aortic dissection (TAAD). Also called: Thoracic aortic aneurysms and dissections. Identifiers: Orphanet 91387, MedGen C4707243, MONDO:0019625.

Allele frequency attached by ClinVar (database versions not stated): TOPMed below 0.00001.

Submission:

Labcorp Genetics (formerly Invitae), Labcorp
Classification: Uncertain significance for Marfan syndrome; Familial thoracic aortic aneurysm and aortic dissection. Last evaluated: 2022-05-28. Review status: criteria provided, single submitter. Criteria: Invitae Variant Classification Sherloc (09022015). Collection method: clinical testing. Allele origin: germline.
Comment: This sequence change replaces glutamic acid, which is acidic and polar, with aspartic acid, which is acidic and polar, at codon 992 of the FBN1 protein (p.Glu992Asp). This variant is not present in population databases (gnomAD no frequency). This variant has not been reported in the literature in individuals affected with FBN1-related conditions. Advanced modeling of protein sequence and biophysical properties (such as structural, functional, and spatial information, amino acid conservation, physicochemical variation, residue mobility, and thermodynamic stability) performed at Invitae indicates that this missense variant is not expected to disrupt FBN1 protein function. In summary, the available evidence is currently insufficient to determine the role of this variant in disease. Therefore, it has been classified as a Variant of Uncertain Significance.

NM_000138.5(FBN1):c.2976A>C (p.Glu992Asp)

Gene: FBN1 (fibrillin 1; minus strand). Cytogenetic location: 15q21.1.
Variant type: single nucleotide variant.
Coding change: c.2976A>C on transcript NM_000138.5 (MANE Select); coding-DNA position 2976, A replaced by C.
Protein change: p.Glu992Asp; replaces glutamic acid 992 with aspartic acid.
Molecular consequence: missense variant.
Genome position (GRCh38, 1-based): chr15:48,489,957, T>G on the plus strand (A>C on the coding strand, the complement: FBN1 is on the minus strand). VCF-style: chr15-48489957-T-G. GRCh37 (hg19) VCF-style: chr15-48782154-T-G.
Other names: c.2976A>C, p.Glu992Asp (NM_001406716.1); short protein forms E992D.
Identifiers: ClinVar variation 2419758 (VCV002419758.6), dbSNP rs755477434, ClinGen allele CA392329319.
Genomic context (GRCh38, chr15:48,489,957, plus strand): 5'-GGGTCCTCTCGGACACAGCTCCTCGTACTCAGGAGTATTTCTCATGGGACACTCCTCGCA[T>G]TCCTCAGTACCCCAGGCTGCCCCGACGGAGCAGCAGCAGGCGTCCATGCGGTGGCGGCCA-3'
Protein context (NP_000129.3, residues 982-1002): CSVGAAWGTE[Glu992Asp]CEECPMRNTP